The following is an entry in ClinVar:

ClinVar aggregate classification (germline): Pathogenic (1 of 4 stars; one submission).

Conditions:
Fanconi anemia (FA). Also called: Fanconi's anemia. Identifiers: Orphanet 84, MedGen C0015625, MeSH D005199, MONDO:0019391.

Submission:

Labcorp Genetics (formerly Invitae), Labcorp
Classification: Pathogenic for Fanconi anemia. Last evaluated: 2024-03-01. Review status: criteria provided, single submitter. Criteria: Invitae Variant Classification Sherloc (09022015). Collection method: clinical testing. Allele origin: germline.
Comment: This sequence change creates a premature translational stop signal (p.Gln872*) in the FANCI gene. It is expected to result in an absent or disrupted protein product. Loss-of-function variants in FANCI are known to be pathogenic (PMID: 17452773, 17460694). This variant is not present in population databases (gnomAD no frequency). This variant has not been reported in the literature in individuals affected with FANCI-related conditions. Algorithms developed to predict the effect of sequence changes on RNA splicing suggest that this variant may disrupt the consensus splice site. For these reasons, this variant has been classified as Pathogenic.

Literature cited by the submitters: PubMed 17452773; PubMed 17460694.

NM_001113378.2(FANCI):c.2614C>T (p.Gln872Ter)

Gene: FANCI (FA complementation group I; plus strand). Cytogenetic location: 15q26.1.
Variant type: single nucleotide variant.
Coding change: c.2614C>T on transcript NM_001113378.2 (MANE Select); coding-DNA position 2614, C replaced by T.
Protein change: p.Gln872Ter; replaces glutamine 872 with a stop codon.
Molecular consequence: nonsense. On other transcripts: intron variant (1).
Genome position (GRCh38, 1-based): chr15:89,295,072, C>T. VCF-style: chr15-89295072-C-T. GRCh37 (hg19) VCF-style: chr15-89838303-C-T.
Other names: c.2335C>T, p.Gln779Ter (NM_001376910.1); c.2614C>T, p.Gln872Ter (NM_001376911.1); c.2456+1075C>T (NM_018193.3); short protein forms Q779*, Q872*.
Identifiers: ClinVar variation 3009540 (VCV003009540.3), dbSNP rs1368909419, ClinGen allele CA393751112.